The following is an entry in ClinVar:

NM_017780.4(CHD7):c.4375G>C (p.Glu1459Gln)

Gene: CHD7 (chromodomain helicase DNA binding protein 7; plus strand). Cytogenetic location: 8q12.2.
Variant type: single nucleotide variant.
Coding change: c.4375G>C on transcript NM_017780.4 (MANE Select); coding-DNA position 4375, G replaced by C.
Protein change: p.Glu1459Gln; replaces glutamic acid 1459 with glutamine.
Molecular consequence: missense variant. On other transcripts: intron variant (1).
Genome position (GRCh38, 1-based): chr8:60,838,097, G>C. VCF-style: chr8-60838097-G-C. GRCh37 (hg19) VCF-style: chr8-61750656-G-C.
Other names: c.1717-24132G>C (NM_001316690.1); short protein forms E1459Q.
Identifiers: ClinVar variation 3906643 (VCV003906643.1).

ClinVar aggregate classification (germline): Uncertain significance (1 of 4 stars; one submission).

Submission:

GeneDx
Classification: Uncertain significance. Last evaluated: 2024-12-17. Review status: criteria provided, single submitter. Criteria: GeneDx Variant Classification Process June 2021. Collection method: clinical testing. Allele origin: germline. Affected: yes.
Comment: Not observed at significant frequency in large population cohorts (gnomAD); In silico analysis supports that this missense variant has a deleterious effect on protein structure/function; Has not been previously published as pathogenic or benign to our knowledge